The following is an entry in ClinVar:

ClinVar aggregate classification (germline): Uncertain significance (1 of 4 stars; one submission).

Allele frequency attached by ClinVar (database versions not stated): gnomAD exomes below 0.00001.
gnomAD v4.1: 1 of 1,614,012 alleles (0.000062%); highest among the groups gnomAD compares: Non-Finnish European, 0.000085%; no homozygotes.

Submission:

Labcorp Genetics (formerly Invitae), Labcorp
Classification: Uncertain significance. Last evaluated: 2024-02-24. Review status: criteria provided, single submitter. Criteria: Invitae Variant Classification Sherloc (09022015). Collection method: clinical testing. Allele origin: germline.
Comment: This sequence change replaces threonine, which is neutral and polar, with isoleucine, which is neutral and non-polar, at codon 1850 of the PCDH15 protein (p.Thr1850Ile). This variant is not present in population databases (gnomAD no frequency). This variant has not been reported in the literature in individuals affected with PCDH15-related conditions. ClinVar contains an entry for this variant (Variation ID: 1425696). Algorithms developed to predict the effect of missense changes on protein structure and function output the following: SIFT: "Not Available"; PolyPhen-2: "Not Available"; Align-GVGD: "Not Available". The isoleucine amino acid residue is found in multiple mammalian species, which suggests that this missense change does not adversely affect protein function. In summary, the available evidence is currently insufficient to determine the role of this variant in disease. Therefore, it has been classified as a Variant of Uncertain Significance.

NM_033056.4(PCDH15):c.5549C>T (p.Thr1850Ile)

Gene: PCDH15 (protocadherin related 15; minus strand). Cytogenetic location: 10q21.1.
Variant type: single nucleotide variant.
Coding change: c.5549C>T on transcript NM_033056.4 (MANE Plus Clinical); coding-DNA position 5549, C replaced by T.
Protein change: p.Thr1850Ile; replaces threonine 1850 with isoleucine.
Molecular consequence: missense variant. On other transcripts: intron variant (8).
Genome position (GRCh38, 1-based): chr10:53,822,177, G>A on the plus strand (C>T on the coding strand, the complement: PCDH15 is on the minus strand). VCF-style: chr10-53822177-G-A. GRCh37 (hg19) VCF-style: chr10-55581937-G-A.
Other names: c.5540C>T, p.Thr1847Ile (NM_001142766.2); c.5429C>T, p.Thr1810Ile (NM_001142767.2); c.5489C>T, p.Thr1830Ile (NM_001142768.2); c.5480C>T, p.Thr1827Ile (NM_001142773.2); c.5483C>T, p.Thr1828Ile (NM_001354404.2); c.4367+5216C>T (NM_001354420.2); c.4368-4164C>T (NM_001354429.2); c.4368-1947C>T (NM_001384140.1); and 7 more; short protein forms T1828I, T1852I, T1847I, T1850I, T1781I, T1830I, T1810I, T1827I.
Identifiers: ClinVar variation 1425696 (VCV001425696.5), dbSNP rs2076316565, ClinGen allele CA376524733.